The following is an entry in ClinVar:

ClinVar aggregate classification (germline): Uncertain significance (1 of 4 stars; one submission).

Conditions:
Familial hemophagocytic lymphohistiocytosis 5. Also called: STXBP2-Related Familial Hemophagocytic Lymphohistiocytosis (STXBP2-fHLH). Identifiers: Orphanet 540, MedGen C2751293, MONDO:0013135, OMIM 613101.

Submission:

Labcorp Genetics (formerly Invitae), Labcorp
Classification: Uncertain significance for Familial hemophagocytic lymphohistiocytosis 5. Last evaluated: 2024-04-02. Review status: criteria provided, single submitter. Criteria: Invitae Variant Classification Sherloc (09022015). Collection method: clinical testing. Allele origin: germline.
Comment: This sequence change replaces aspartic acid, which is acidic and polar, with tyrosine, which is neutral and polar, at codon 485 of the STXBP2 protein (p.Asp485Tyr). This variant is not present in population databases (gnomAD no frequency). This variant has not been reported in the literature in individuals affected with STXBP2-related conditions. An algorithm developed to predict the effect of missense changes on protein structure and function (PolyPhen-2) suggests that this variant is likely to be disruptive. In summary, the available evidence is currently insufficient to determine the role of this variant in disease. Therefore, it has been classified as a Variant of Uncertain Significance.

NM_006949.4(STXBP2):c.1453G>T (p.Asp485Tyr)

Gene: STXBP2 (syntaxin binding protein 2; plus strand). Cytogenetic location: 19p13.2.
Variant type: single nucleotide variant.
Coding change: c.1453G>T on transcript NM_006949.4 (MANE Select); coding-DNA position 1453, G replaced by T.
Protein change: p.Asp485Tyr; replaces aspartic acid 485 with tyrosine.
Molecular consequence: missense variant. On other transcripts: non-coding transcript variant (1).
Genome position (GRCh38, 1-based): chr19:7,647,162, G>T. VCF-style: chr19-7647162-G-T. GRCh37 (hg19) VCF-style: chr19-7712048-G-T.
Other names: c.1444G>T, p.Asp482Tyr (NM_001127396.3); c.1486G>T, p.Asp496Tyr (NM_001272034.2); c.1357G>T, p.Asp453Tyr (NM_001414484.1); short protein forms D496Y, D482Y, D453Y, D485Y.
Identifiers: ClinVar variation 3687789 (VCV003687789.2).
Genomic context (GRCh38, chr19:7,647,162, plus strand): 5'-ACTCCTGACCCCGGACCCCATGCCTGGGGTTCCTCCCCTAACCTGCCTCTCGGCCGCCAG[G>T]ACGCCGTGGAGGACCGGCTGGACAGGAACCTGTGGCCCTTCGTATCCGACCCCGCCCCCA-3'
Protein context (NP_008880.2, residues 475-495): WTPVIKDVME[Asp485Tyr]AVEDRLDRNL